The following is an entry in ClinVar:

NM_145290.4(ADGRA3):c.1616A>G (p.Asn539Ser)

Gene: ADGRA3 (adhesion G protein-coupled receptor A3; minus strand). Cytogenetic location: 4p15.2.
Variant type: single nucleotide variant.
Coding change: c.1616A>G on transcript NM_145290.4 (MANE Select); coding-DNA position 1616, A replaced by G.
Protein change: p.Asn539Ser; replaces asparagine 539 with serine.
Molecular consequence: missense variant.
Genome position (GRCh38, 1-based): chr4:22,421,079, T>C on the plus strand (A>G on the coding strand, the complement: ADGRA3 is on the minus strand). VCF-style: chr4-22421079-T-C. GRCh37 (hg19) VCF-style: chr4-22422702-T-C.
Other names: c.1616A>G (NM_145290.2); short protein forms N539S.
Identifiers: ClinVar variation 1897645 (VCV001897645.6), dbSNP rs893860967, ClinGen allele CA93517718.

ClinVar aggregate classification (germline): Uncertain significance. Review status: criteria provided, multiple submitters, no conflicts (2 of 4 stars). 2 submissions from 2 submitters: Uncertain significance (2). Last evaluated 2025-08-23.

Allele frequency attached by ClinVar (database versions not stated): gnomAD exomes 0.00002; gnomAD 0.00003.
gnomAD v4.1: 27 of 1,613,328 alleles (0.0017%); highest among the groups gnomAD compares: African/African-American, 0.0094%; no homozygotes.

Submissions (2):

Ambry Genetics
Classification: Uncertain significance. Last evaluated: 2025-08-23. Review status: criteria provided, single submitter. Criteria: Ambry Variant Classification Scheme 2023. Collection method: clinical testing. Allele origin: germline.

Labcorp Genetics (formerly Invitae), Labcorp
Classification: Uncertain significance. Last evaluated: 2022-03-02. Review status: criteria provided, single submitter. Criteria: Invitae Variant Classification Sherloc (09022015). Collection method: clinical testing. Allele origin: germline.
Comment: Algorithms developed to predict the effect of sequence changes on RNA splicing suggest that this variant may create or strengthen a splice site. Algorithms developed to predict the effect of missense changes on protein structure and function output the following: SIFT: "Deleterious"; PolyPhen-2: "Benign"; Align-GVGD: "Class C0". The serine amino acid residue is found in multiple mammalian species, which suggests that this missense change does not adversely affect protein function. This variant has not been reported in the literature in individuals affected with ADGRA3-related conditions. This variant is not present in population databases (gnomAD no frequency). This sequence change replaces asparagine, which is neutral and polar, with serine, which is neutral and polar, at codon 539 of the ADGRA3 protein (p.Asn539Ser). In summary, the available evidence is currently insufficient to determine the role of this variant in disease. Therefore, it has been classified as a Variant of Uncertain Significance.